The following is an entry in ClinVar:

ClinVar aggregate classification (germline): Uncertain significance. Review status: criteria provided, multiple submitters, no conflicts (2 of 4 stars). 2 submissions from 2 submitters: Uncertain significance (2). Last evaluated 2023-05-21.

Allele frequency attached by ClinVar (database versions not stated): gnomAD exomes below 0.00001.
gnomAD v4.1: 2 of 1,613,624 alleles (0.00012%); highest among the groups gnomAD compares: East Asian, 0.0022%; no homozygotes.

Submissions (2):

GeneDx
Classification: Uncertain significance. Last evaluated: 2023-05-21. Review status: criteria provided, single submitter. Criteria: GeneDx Variant Classification Process June 2021. Collection method: clinical testing. Allele origin: germline. Affected: yes.
Comment: Not observed at significant frequency in large population cohorts (gnomAD); In silico analysis supports that this missense variant has a deleterious effect on protein structure/function; Has not been previously published as pathogenic or benign to our knowledge

Labcorp Genetics (formerly Invitae), Labcorp
Classification: Uncertain significance. Last evaluated: 2022-12-06. Review status: criteria provided, single submitter. Criteria: Invitae Variant Classification Sherloc (09022015). Collection method: clinical testing. Allele origin: germline.
Comment: This variant is not present in population databases (gnomAD no frequency). In summary, the available evidence is currently insufficient to determine the role of this variant in disease. Therefore, it has been classified as a Variant of Uncertain Significance. Advanced modeling of protein sequence and biophysical properties (such as structural, functional, and spatial information, amino acid conservation, physicochemical variation, residue mobility, and thermodynamic stability) performed at Invitae indicates that this missense variant is expected to disrupt KMT2E protein function. This variant has not been reported in the literature in individuals affected with KMT2E-related conditions. This sequence change replaces arginine, which is basic and polar, with tryptophan, which is neutral and slightly polar, at codon 656 of the KMT2E protein (p.Arg656Trp).

NM_182931.3(KMT2E):c.1966C>T (p.Arg656Trp)

Gene: KMT2E (lysine methyltransferase 2E (inactive); plus strand). Cytogenetic location: 7q22.3.
Variant type: single nucleotide variant.
Coding change: c.1966C>T on transcript NM_182931.3 (MANE Select); coding-DNA position 1966, C replaced by T.
Protein change: p.Arg656Trp; replaces arginine 656 with tryptophan.
Molecular consequence: missense variant.
Genome position (GRCh38, 1-based): chr7:105,101,964, C>T. VCF-style: chr7-105101964-C-T. GRCh37 (hg19) VCF-style: chr7-104742411-C-T.
Other names: c.1966C>T, p.Arg656Trp (NM_001410908.1, NM_018682.4); c.1966C>T (NM_182931.2); short protein forms R656W.
Identifiers: ClinVar variation 2069950 (VCV002069950.5), dbSNP rs2536492942, ClinGen allele CA368784711.